The following is an entry in ClinVar:

NM_001388492.1(HTT):c.2554G>A (p.Asp852Asn)

Gene: HTT (huntingtin; plus strand). Cytogenetic location: 4p16.3.
Variant type: single nucleotide variant.
Coding change: c.2554G>A on transcript NM_001388492.1 (MANE Select); coding-DNA position 2554, G replaced by A.
Protein change: p.Asp852Asn; replaces aspartic acid 852 with asparagine.
Molecular consequence: missense variant.
Genome position (GRCh38, 1-based): chr4:3,134,461, G>A. VCF-style: chr4-3134461-G-A. GRCh37 (hg19) VCF-style: chr4-3136188-G-A.
Other names: c.2560G>A, p.Asp854Asn (NM_002111.8); short protein forms D854N, D852N.
Identifiers: ClinVar variation 1362110 (VCV001362110.6), dbSNP rs370452437, ClinGen allele CA91438086.

ClinVar aggregate classification (germline): Uncertain significance (1 of 4 stars; one submission).

Allele frequency attached by ClinVar (database versions not stated): ESP Exome Variant Server 0.00008.
gnomAD v4.1: 9 of 1,613,838 alleles (0.00056%); highest among the groups gnomAD compares: Admixed American, 0.0083%; no homozygotes.

Submission:

Labcorp Genetics (formerly Invitae), Labcorp
Classification: Uncertain significance. Last evaluated: 2020-11-24. Review status: criteria provided, single submitter. Criteria: Invitae Variant Classification Sherloc (09022015). Collection method: clinical testing. Allele origin: germline.
Comment: In summary, the available evidence is currently insufficient to determine the role of this variant in disease. Therefore, it has been classified as a Variant of Uncertain Significance. Experimental studies and prediction algorithms are not available or were not evaluated, and the functional significance of this variant is currently unknown. This variant has not been reported in the literature in individuals with HTT-related conditions. This variant is not present in population databases (ExAC no frequency). This sequence change replaces aspartic acid with asparagine at codon 854 of the HTT protein (p.Asp854Asn). The aspartic acid residue is moderately conserved and there is a small physicochemical difference between aspartic acid and asparagine.